The following is an entry in ClinVar:

NM_000518.5(HBB):c.-21T>C

Genes: HBB (hemoglobin subunit beta; minus strand), LOC106099062 (HBB recombination region; plus strand), LOC107133510 (origin of replication at HBB; plus strand). Cytogenetic location: 11p15.4.
Variant type: single nucleotide variant.
Coding change: c.-21T>C on transcript NM_000518.5 (MANE Select); 21 bases upstream of the start codon, T replaced by C.
Molecular consequence: 5 prime UTR variant.
Genome position (GRCh38, 1-based): chr11:5,227,042, A>G on the plus strand (T>C on the coding strand, the complement: HBB is on the minus strand). VCF-style: chr11-5227042-A-G. GRCh37 (hg19) VCF-style: chr11-5248272-A-G.
Identifiers: ClinVar variation 981109 (VCV000981109.2), dbSNP rs772919319, ClinGen allele CA5839825.

ClinVar aggregate classification (germline): Uncertain significance. Review status: criteria provided, multiple submitters, no conflicts (2 of 4 stars). 2 submissions from 2 submitters: Uncertain significance (2). Last evaluated 2024-04-30.

Allele frequency attached by ClinVar (database versions not stated): ExAC 0.00001; gnomAD exomes 0.00001 and 0.00002; TOPMed 0.00001.
gnomAD v4.1: 7 of 1,473,376 alleles (0.00048%); highest among the groups gnomAD compares: Middle Eastern, 0.017%; no homozygotes.

Submissions (2):

Quest Diagnostics Nichols Institute San Juan Capistrano
Classification: Uncertain significance. Last evaluated: 2024-04-30. Review status: criteria provided, single submitter. Criteria: Quest Diagnostics criteria. Collection method: clinical testing. Allele origin: unknown.
Comment: The HBB c.-21T>C variant has not been reported in individuals with HBB-related conditions in the published literature. Analysis of this variant using software algorithms for the prediction of the effect of nucleotide changes on splicing yielded predictions that this variant does not affect HBB mRNA splicing. Based on the available information, we are unable to determine the clinical significance of this variant.

Women's Health and Genetics/Laboratory Corporation of America, LabCorp
Classification: Uncertain significance. Last evaluated: 2020-09-11. Review status: criteria provided, single submitter. Criteria: LabCorp Variant Classification Summary - May 2015. Collection method: clinical testing. Allele origin: germline.
Comment: Variant summary: HBB c.-21T>C is located in the untranslated mRNA region upstream of the initiation codon. 4/4 computational tools predict no significant impact on normal splicing. However, these predictions have yet to be confirmed by functional studies. The variant allele was found at a frequency of 1.6e-05 in 250914 control chromosomes. The available data on variant occurrences in the general population are insufficient to allow any conclusion about variant significance. To our knowledge, no occurrence of c.-21T>C in individuals affected with Hemoglobinopathy and no experimental evidence demonstrating its impact on protein function have been reported. No clinical diagnostic laboratories have submitted clinical-significance assessments for this variant to ClinVar after 2014. Based on the evidence outlined above, the variant was classified as uncertain significance.